The following continues an entry in ClinVar:

NM_000406.3(GNRHR):c.317A>G (p.Gln106Arg)

Gene: GNRHR. ClinVar aggregate classification (germline): Pathogenic/Likely pathogenic. Pathogenic (25); Likely pathogenic (3).

Submissions 25 to 34 of 34:

Illumina Laboratory Services, Illumina
Classification: Pathogenic for Hypogonadotropic hypogonadism 7 with or without anosmia. Last evaluated: 2018-09-20. Review status: criteria provided, single submitter. Criteria: ICSL Variant Classification Criteria 09 May 2019. Collection method: clinical testing. Allele origin: germline.
Comment: The GNRHR c.317A>G (p.Gln106Arg) missense variant has been reported in at least six studies and is found in a total of 32 individuals with isolated GnRH deficiency, including in four in a homozygous state, in 15 in a compound heterozygous state, and in 13 in a heterozygous state (de Roux 1997; Kottler et al. 2000; Pitteloud et al. 2001; Dewailly et al. 2002; Pitteloud et al. 2007; Gianetti et al. 2012). The affected individuals exhibited a range of phenotypes from mild to severe, with homozygotes exhibiting a milder phenotype than compound heterozygotes (Pitteloud et al. 2001; Dewailly et al. 2002; Bedecarrats et al. 2003). The p.Gln106Arg variant was also found in eight unaffected relatives (Pitteloud et al. 2001; Dewailly et al. 2002). The p.Gln106Arg variant was reported in two chromosomes of 604 control chromosomes and is reported at a frequency of 0.006015 in the Ashkenazi Jewish population of the Genome Aggregation Database. Two homozygous individuals are found in the Genome Aggregation Consortium, though these may be explained by homozygotes presenting a mild phenotype (Dewailly et al. 2002; Bedecarrats et al. 2003). In vitro expression analysis in CHO-K1 and COS-7 cells found p.Gln106Arg to have significantly reduced GNRH binding activity and reduced inositol phosphates binding compared to wildtype (de Roux 1997, Kottler et al. 2000; LeaÃ±os-Miranda et al. 2005). Based on the collective evidence, the p.Gln106Arg variant is classified as pathogenic for isolated GnRH deficiency. This variant was observed by ICSL as part of a predisposition screen in an ostensibly healthy population.

Genomic Research Center, Shahid Beheshti University of Medical Sciences
Classification: Pathogenic for Hypogonadotropic hypogonadism. Last evaluated: 2018-03-05. Review status: criteria provided, single submitter. Criteria: ACMG Guidelines, 2015. Collection method: clinical testing. Allele origin: inherited. Affected: no. Observed: 1 variant allele.

Centre of Medical Genetics, University Hospital Muenster
Classification: Pathogenic for Hypogonadotropic hypogonadism 7 with or without anosmia. Last evaluated: 2016-12-19. Review status: criteria provided, single submitter. Criteria: ACMG Guidelines, 2015. Collection method: clinical testing. Allele origin: germline. Affected: yes. Observed: 1 variant allele, 1 compound heterozygote.
Comment: ACMG categories: PS1,PS5,BP1

Hadassah Hebrew University Medical Center
Classification: Likely pathogenic for Hypogonadotropic hypogonadism 7 with or without anosmia. Review status: criteria provided, single submitter. Criteria: ACMG Guidelines, 2015. Collection method: research. Allele origin: germline. Affected: no. Observed: 2 variant alleles.

Clinical Genetics Laboratory, University Hospital Schleswig-Holstein
Classification: Pathogenic for Hypogonadotropic hypogonadism 7 with or without anosmia. Last evaluated: 2024-09-18. Review status: no assertion criteria provided. Collection method: clinical testing. Allele origin: biparental. Affected: yes. Not counted in ClinVar's aggregate classification.

Reproductive Health Research and Development, BGI Genomics
Classification: Pathogenic for Hypogonadotropic hypogonadism 7 with or without anosmia. Last evaluated: 2020-01-06. Review status: no assertion criteria provided. Collection method: curation. Allele origin: germline. Not counted in ClinVar's aggregate classification.
Comment: NM_000406.2:c.317A>G in the GNRHR gene has an allele frequency of 0.006 in Ashkenazi Jewish subpopulation in the gnomAD database. The c.317A>G(p.Q106R) variant in the GNRHR gene has been reported previously in the compound heterozygous (Q106R/R262Q; P96S/Q106R; Q106R/S217R) and homozygous states in association with hypogonadotropic hypogonadism (PMID: 9371856; 22745237; 23643382). In vitro functional studies demonstrated that p.Q106R results in a loss of function of the receptor protein (PMID: 9371856). Taken together, we interprete this variant as Pathogenic/Likely pathogenic variant. ACMG/AMP Criteria applied: PS3; PM3_Strong; PP4.

OMIM
Classification: Pathogenic for HYPOGONADOTROPIC HYPOGONADISM 7 WITHOUT ANOSMIA. Last evaluated: 2007-02-01. Review status: no assertion criteria provided. Collection method: literature only. Allele origin: germline. Not counted in ClinVar's aggregate classification.

Clinical Genetics DNA and cytogenetics Diagnostics Lab, Erasmus MC, Erasmus Medical Center
Classification: Pathogenic. Review status: no assertion criteria provided. Collection method: clinical testing. Allele origin: germline. Affected: yes. Study: VKGL Data-share Consensus. Not counted in ClinVar's aggregate classification.

Diagnostic Laboratory, Department of Genetics, University Medical Center Groningen
Classification: Pathogenic. Review status: no assertion criteria provided. Collection method: clinical testing. Allele origin: germline. Affected: yes. Study: VKGL Data-share Consensus. Not counted in ClinVar's aggregate classification.

MAGI's Lab - Research, MAGI Group
Classification: Pathogenic for Infertility disorder. Review status: no assertion criteria provided. Collection method: provider interpretation. Allele origin: germline. Affected: yes. Not counted in ClinVar's aggregate classification.

Literature cited by the submitters: PubMed 9371856 (cited by 9 submitters); PubMed 12364481 (cited by 6 submitters); PubMed 12574221 (cited by 5 submitters); PubMed 10999776 (cited by 4 submitters); PubMed 20696889 (cited by 3 submitters); PubMed 12057744 (cited by 5 submitters); PubMed 11397871 (cited by 3 submitters); PubMed 22745237 (cited by 6 submitters); PubMed 23155690 (cited by Labcorp Genetics (formerly Invitae), Labcorp and Athena Diagnostics); PubMed 23643382 (cited by 3 submitters); PubMed 26207952 (cited by 4 submitters); PubMed 15728205 (cited by 5 submitters); PubMed 20389088 (cited by 3 submitters); PubMed 23650335 (cited by Victorian Clinical Genetics Services, Murdoch Childrens Research Institute); PubMed 25016926 (cited by 3 submitters); PubMed 29182666 (cited by Victorian Clinical Genetics Services, Murdoch Childrens Research Institute); PubMed 30476149 (cited by Victorian Clinical Genetics Services, Murdoch Childrens Research Institute and Athena Diagnostics); PubMed 21645587 (cited by Laboratory for Molecular Medicine, Mass General Brigham Personalized Medicine); PubMed 11397842 (cited by 4 submitters); PubMed 12679486 (cited by Ambry Genetics and OMIM); PubMed 25077900 (cited by Ambry Genetics and Women's Health and Genetics/Laboratory Corporation of America, LabCorp); PubMed 26792935 (cited by Ambry Genetics); PubMed 28348023 (cited by Ambry Genetics); PubMed 34403359 (cited by Ambry Genetics); PubMed 36407308 (cited by Ambry Genetics); PubMed 33223529 (cited by Athena Diagnostics and Hadassah Hebrew University Medical Center); PubMed 17235395 (cited by 3 submitters); PubMed 21292259 (cited by Athena Diagnostics); PubMed 21664240 (cited by Athena Diagnostics); PubMed 33968656 (cited by Athena Diagnostics); PubMed 10022417 (cited by OMIM); PubMed 10690855 (cited by OMIM); PubMed 7557974 (cited by OMIM).